The following is an entry in ClinVar:

GRCh37/hg19 5p13.2(chr5:36874777-36958323)x1

Gene: NIPBL (NIPBL cohesin loading factor; plus strand). Cytogenetic location: 5p13.2.
Variant type: copy number loss.
Change: copy number 1 (one copy instead of two) of chr5:36,874,777-36,958,323 (83.5 kb, GRCh37 coordinates, 1-based), cytogenetic band 5p13.2.
Identifiers: ClinVar variation 1807805 (VCV001807805.1).

ClinVar aggregate classification (germline): Likely pathogenic (1 of 4 stars; one submission).

Submission:

Quest Diagnostics Nichols Institute San Juan Capistrano
Classification: Likely pathogenic. Last evaluated: 2021-11-17. Review status: criteria provided, single submitter. Criteria: ACMG/ClinGen CNV Guidelines, 2019. Collection method: clinical testing. Allele origin: unknown.
Comment: The copy number loss of 5p13.2 involves the first 4 exons of the NIPBL gene (OMIM 608667, NM_133433.4). Haploinsufficiency of NIPBL due to heterozygous loss of function sequence variants and partial or whole gene deletions causes Cornelia de Lange syndrome (CdLS; OMIM 122470). CdLS is an autosomal dominant multisystem malformation syndrome recognized primarily on the basis of characteristic facial dysmorphism, including low anterior hairline, arched eyebrows, synophrys, anteverted nares, maxillary prognathism, long philtrum, and thin lips, in association with prenatal and postnatal growth retardation, intellectual disability, and, in many cases, upper limb anomalies (see GeneReviews). Due to the characteristics of the gene involved, the clinical significance of this copy number variation (CNV) has been interpreted as likely pathogenic. Reference: Deardorff et al., GeneReviews 2020 Oct 15. Available at an online resource PMID: 20301283